The following is an entry in ClinVar:

NM_004523.4(KIF11):c.230A>G (p.Lys77Arg)

Gene: KIF11 (kinesin family member 11; plus strand). Cytogenetic location: 10q23.33.
Variant type: single nucleotide variant.
Coding change: c.230A>G on transcript NM_004523.4 (MANE Select); coding-DNA position 230, A replaced by G.
Protein change: p.Lys77Arg; replaces lysine 77 with arginine.
Molecular consequence: missense variant.
Genome position (GRCh38, 1-based): chr10:92,606,638, A>G. VCF-style: chr10-92606638-A-G. GRCh37 (hg19) VCF-style: chr10-94366395-A-G.
Other names: short protein forms K77R.
Identifiers: ClinVar variation 3257437 (VCV003257437.17).

ClinVar aggregate classification (germline): Uncertain significance (1 of 4 stars; one submission).

Submission:

CeGaT Center for Human Genetics Tuebingen
Classification: Uncertain significance. Last evaluated: 2024-07-01. Review status: criteria provided, single submitter. Criteria: CeGaT Center For Human Genetics Tuebingen Variant Classification Criteria Version 2. Collection method: clinical testing. Allele origin: germline. Affected: yes. Observed: 1 variant allele.
Comment: KIF11: PM2